The following is an entry in ClinVar:

ClinVar aggregate classification (germline): Pathogenic/Likely pathogenic. Review status: criteria provided, multiple submitters, no conflicts (2 of 4 stars). 3 submissions from 3 submitters: Pathogenic (1); Likely pathogenic (2). Last evaluated 2025-12-09.

Conditions:
Polycystic kidney disease, adult type (PKD1). Also called: Polycystic Kidney Disease 1, Autosomal Dominant; Polycystic kidney disease 1; Polycystic kidney disease 1, severe; POLYCYSTIC KIDNEY DISEASE 1 WITH OR WITHOUT POLYCYSTIC LIVER DISEASE; POLYCYSTIC KIDNEY DISEASE, ADULT, TYPE I; Polycystic Kidney, Autosomal Dominant. Identifiers: MedGen C3149841, MONDO:0008263, OMIM 173900.
PKD1-related disorder. Also called: PKD1-related condition.

Submissions (3):

Variantyx, Inc.
Classification: Likely pathogenic for Polycystic kidney disease, adult type. Last evaluated: 2025-12-09. Review status: criteria provided, single submitter. Criteria: Variantyx Assertion Criteria 2022. Collection method: clinical testing. Allele origin: germline. Inheritance: Autosomal dominant inheritance. Affected: yes.
Comment: This is a canonical splicing variant in the PKD1 gene (OMIM: 601313). Pathogenic variants in this gene have been associated with autosomal dominant polycystic kidney disease 1. This splicing variant is expected to result in loss of function, which is a known disease mechanism for PKD1 in this disorder (PMID: 23985799) (PVS1). This variant is absent from control populations (PM2). Based on the current evidence, this variant is classified as likely pathogenic for autosomal dominant polycystic kidney disease 1.

PreventionGenetics, part of Exact Sciences
Classification: Likely pathogenic for PKD1-related condition. Last evaluated: 2023-09-22. Review status: criteria provided, single submitter. Criteria: ACMG Guidelines, 2015. Collection method: clinical testing. Allele origin: germline.
Comment: The PKD1 c.8161+1G>T variant is predicted to disrupt the GT donor site and interfere with normal splicing. This variant has not been reported in the literature or a large population database, indicating this variant is rare. It is listed in ClinVar as pathogenic. Of note, a different nucleotide substitution defined as c.8161+1G>C at the same position has been reported in an individual with autosomal dominant polycystic kidney disease (ADPKD) (Chang et al. 2013. PubMed ID: 23985799). Variants that disrupt the consensus splice donor site in PKD1 are expected to be pathogenic. This variant is interpreted as likely pathogenic.

MGZ Medical Genetics Center
Classification: Pathogenic for Polycystic kidney disease, adult type. Last evaluated: 2022-04-20. Review status: criteria provided, single submitter. Criteria: ACMG Guidelines, 2015. Collection method: clinical testing. Allele origin: germline. Affected: yes. Observed: 1 variant allele.
Comment: ACMG criteria applied: PVS1, PM2_SUP, PP4

Literature cited by the submitters: PubMed 23985799 (cited by Variantyx, Inc.).

NM_001009944.3(PKD1):c.8161+1G>T

Gene: PKD1 (polycystin 1, transient receptor potential channel interacting; minus strand). Cytogenetic location: 16p13.3.
Variant type: single nucleotide variant.
Coding change: c.8161+1G>T on transcript NM_001009944.3 (MANE Select); the canonical splice donor site of the intron after coding-DNA position 8161, G replaced by T.
Molecular consequence: splice donor variant.
Genome position (GRCh38, 1-based): chr16:2,104,497, C>A on the plus strand (G>T on the coding strand, the complement: PKD1 is on the minus strand). VCF-style: chr16-2104497-C-A. GRCh37 (hg19) VCF-style: chr16-2154498-C-A.
Other names: c.8161+1G>T (NM_001009944.2, NM_000296.4).
Identifiers: ClinVar variation 1709231 (VCV001709231.4), dbSNP rs2544757259, ClinGen allele CA394365283.